The following is an entry in ClinVar:

NM_020738.4(KIDINS220):c.1690T>C (p.Leu564=)

Gene: KIDINS220 (kinase D interacting substrate 220; minus strand). Cytogenetic location: 2p25.1.
Variant type: single nucleotide variant.
Coding change: c.1690T>C on transcript NM_020738.4 (MANE Select); coding-DNA position 1690, T replaced by C.
Protein change: p.Leu564=; no amino-acid change (leucine 564 retained).
Molecular consequence: synonymous variant. On other transcripts: non-coding transcript variant (2).
Genome position (GRCh38, 1-based): chr2:8,788,744, A>G on the plus strand (T>C on the coding strand, the complement: KIDINS220 is on the minus strand). VCF-style: chr2-8788744-A-G. GRCh37 (hg19) VCF-style: chr2-8928874-A-G.
Other names: c.1693T>C, p.Leu565= (NM_001348729.2, NM_001348731.2, NM_001348734.2 and 3 more transcripts); c.1690T>C, p.Leu564= (NM_001348732.2, NM_001348735.2, NM_001348738.2 and 3 more transcripts); c.1564T>C, p.Leu522= (NM_001348736.2); c.1690T>C (NM_020738.2).
Identifiers: ClinVar variation 1642367 (VCV001642367.10), dbSNP rs181547901, ClinGen allele CA1520124.

ClinVar aggregate classification (germline): Likely benign. Review status: criteria provided, single submitter (1 of 4 stars). 2 submissions from 2 submitters: Likely benign (1). 1 of the submissions does not count toward it. Last evaluated 2026-01-19.

Conditions:
KIDINS220-related disorder. Also called: KIDINS220-related condition.

Allele frequency attached by ClinVar (database versions not stated): gnomAD exomes 0.00008; gnomAD 0.00010; ExAC 0.00012; TOPMed 0.00012; 1000 Genomes Project 30x 0.00016; ESP Exome Variant Server 0.00017; 1000 Genomes Project 0.00020.
gnomAD v4.1: 59 of 1,614,166 alleles (0.0037%); highest among the groups gnomAD compares: African/African-American, 0.051%; no homozygotes.

Submissions (2):

Labcorp Genetics (formerly Invitae), Labcorp
Classification: Likely benign. Last evaluated: 2026-01-19. Review status: criteria provided, single submitter. Criteria: Invitae Variant Classification Sherloc (09022015). Collection method: clinical testing. Allele origin: germline.

PreventionGenetics, part of Exact Sciences
Classification: Likely benign for KIDINS220-related condition. Last evaluated: 2021-10-18. Review status: no assertion criteria provided. Collection method: clinical testing. Allele origin: germline. Not counted in ClinVar's aggregate classification.
Comment: This variant is classified as likely benign based on ACMG/AMP sequence variant interpretation guidelines (Richards et al. 2015 PMID: 25741868, with internal and published modifications).